The following is an entry in ClinVar:

ClinVar aggregate classification (germline): Uncertain significance. Review status: criteria provided, multiple submitters, no conflicts (2 of 4 stars). 2 submissions from 2 submitters: Uncertain significance (2). Last evaluated 2025-08-07.

Conditions:
Hereditary cancer-predisposing syndrome. Also called: Tumor predisposition; Hereditary neoplastic syndrome; Neoplastic Syndromes, Hereditary; Hereditary Cancer Syndrome. Identifiers: Orphanet 140162, MedGen C0027672, MeSH D009386, MONDO:0015356.
Ataxia-telangiectasia syndrome (AT). Also called: Cerebello-oculocutaneous telangiectasia; Immunodeficiency with ataxia telangiectasia; LOUIS-BAR SYNDROME; ATAXIA-TELANGIECTASIA, COMPLEMENTATION GROUP A; ATAXIA-TELANGIECTASIA, FRESNO VARIANT; Ataxia-telangiectasia, complementation group D. Identifiers: Orphanet 100, MedGen C0004135, MONDO:0008840, OMIM 208900.

Submissions (2):

Labcorp Genetics (formerly Invitae), Labcorp
Classification: Uncertain significance for Ataxia-telangiectasia syndrome. Last evaluated: 2025-08-07. Review status: criteria provided, single submitter. Criteria: Invitae Variant Classification Sherloc (09022015). Collection method: clinical testing. Allele origin: germline.
Comment: This sequence change replaces isoleucine, which is neutral and non-polar, with arginine, which is basic and polar, at codon 144 of the ATM protein (p.Ile144Arg). This variant is not present in population databases (gnomAD no frequency). This variant has not been reported in the literature in individuals affected with ATM-related conditions. ClinVar contains an entry for this variant (Variation ID: 1384950). Invitae Evidence Modeling of protein sequence and biophysical properties (such as structural, functional, and spatial information, amino acid conservation, physicochemical variation, residue mobility, and thermodynamic stability) has been performed for this missense variant. However, the output from this modeling did not meet the statistical confidence thresholds required to predict the impact of this variant on ATM protein function. In summary, the available evidence is currently insufficient to determine the role of this variant in disease. Therefore, it has been classified as a Variant of Uncertain Significance.

Ambry Genetics
Classification: Uncertain significance for Hereditary cancer-predisposing syndrome. Last evaluated: 2024-12-09. Review status: criteria provided, single submitter. Criteria: Ambry Variant Classification Scheme 2023. Collection method: clinical testing. Allele origin: germline.
Comment: The p.I144R variant (also known as c.431T>G), located in coding exon 4 of the ATM gene, results from a T to G substitution at nucleotide position 431. The isoleucine at codon 144 is replaced by arginine, an amino acid with similar properties. This amino acid position is conserved. In addition, this alteration is predicted to be deleterious by in silico analysis. Based on the available evidence, the clinical significance of this variant remains unclear.

NM_000051.4(ATM):c.431T>G (p.Ile144Arg)

Gene: ATM (ATM serine/threonine kinase; plus strand). Cytogenetic location: 11q22.3.
Variant type: single nucleotide variant.
Coding change: c.431T>G on transcript NM_000051.4 (MANE Select); coding-DNA position 431, T replaced by G.
Protein change: p.Ile144Arg; replaces isoleucine 144 with arginine.
Molecular consequence: missense variant.
Genome position (GRCh38, 1-based): chr11:108,235,769, T>G. VCF-style: chr11-108235769-T-G. GRCh37 (hg19) VCF-style: chr11-108106496-T-G.
Other names: c.431T>G (NM_000051.3); c.431T>G, p.Ile144Arg (NM_001351834.2); short protein forms I144R.
Identifiers: ClinVar variation 1384950 (VCV001384950.9), dbSNP rs2135124131, ClinGen allele CA382525211.